The following is an entry in ClinVar:

NM_021999.5(ITM2B):c.88C>T (p.Pro30Ser)

Gene: ITM2B (integral membrane protein 2B; plus strand). Cytogenetic location: 13q14.2.
Variant type: single nucleotide variant.
Coding change: c.88C>T on transcript NM_021999.5 (MANE Select); coding-DNA position 88, C replaced by T.
Protein change: p.Pro30Ser; replaces proline 30 with serine.
Molecular consequence: missense variant.
Genome position (GRCh38, 1-based): chr13:48,233,448, C>T. VCF-style: chr13-48233448-C-T. GRCh37 (hg19) VCF-style: chr13-48807584-C-T.
Other names: c.88C>T (NM_021999.4); short protein forms P30S.
Identifiers: ClinVar variation 1670992 (VCV001670992.11), dbSNP rs769773974, ClinGen allele CA6978682.
Genomic context (GRCh38, chr13:48,233,448, plus strand): 5'-CTGGCCCAGAAGGAGGCCAAGAAGGACGAGCCCAAGAGCGGCGAGGAGGCGCTCATCATC[C>T]CCCCCGACGCCGTCGCGGTGGACTGCAAGGTCCGAGCCCGGGGAGGTCGAGGAAGCGGGT-3'
Protein context (NP_068839.1, residues 20-40): PKSGEEALII[Pro30Ser]PDAVAVDCKD

ClinVar aggregate classification (germline): Conflicting classifications of pathogenicity. Review status: criteria provided, conflicting classifications (1 of 4 stars). 3 submissions from 3 submitters: Uncertain significance (1); Benign (1). 1 of the submissions does not count toward it. Last evaluated 2025-08-12.

Conditions:
Inborn genetic diseases. Identifiers: MedGen C0950123, MeSH D030342.
ITM2B-related disorder. Also called: ITM2B-related condition.

Allele frequency attached by ClinVar (database versions not stated): 1000 Genomes Project 30x 0.00031.
gnomAD v4.1: 157 of 1,536,996 alleles (0.01%); highest among the groups gnomAD compares: Admixed American, 0.3%; 3 homozygotes.

Submissions (3):

Labcorp Genetics (formerly Invitae), Labcorp
Classification: Benign. Last evaluated: 2025-08-12. Review status: criteria provided, single submitter. Criteria: Invitae Variant Classification Sherloc (09022015). Collection method: clinical testing. Allele origin: germline.

Ambry Genetics
Classification: Uncertain significance for Inborn genetic diseases. Last evaluated: 2023-10-27. Review status: criteria provided, single submitter. Criteria: Ambry Variant Classification Scheme 2023. Collection method: clinical testing. Allele origin: germline.

PreventionGenetics, part of Exact Sciences
Classification: Likely benign for ITM2B-related condition. Last evaluated: 2024-09-16. Review status: no assertion criteria provided. Collection method: clinical testing. Allele origin: germline. Not counted in ClinVar's aggregate classification.
Comment: This variant is classified as likely benign based on ACMG/AMP sequence variant interpretation guidelines (Richards et al. 2015 PMID: 25741868, with internal and published modifications).